The following is an entry in ClinVar:

NM_152269.5(MTRFR):c.166G>C (p.Asp56His)

Gene: MTRFR (mitochondrial translation release factor in rescue; plus strand). Cytogenetic location: 12q24.31.
Variant type: single nucleotide variant.
Coding change: c.166G>C on transcript NM_152269.5 (MANE Select); coding-DNA position 166, G replaced by C.
Protein change: p.Asp56His; replaces aspartic acid 56 with histidine.
Molecular consequence: missense variant.
Genome position (GRCh38, 1-based): chr12:123,253,840, G>C. VCF-style: chr12-123253840-G-C. GRCh37 (hg19) VCF-style: chr12-123738387-G-C.
Other names: c.166G>C, p.Asp56His (NM_001143905.2, NM_001194995.1); short protein forms D56H.
Identifiers: ClinVar variation 2081182 (VCV002081182.1), dbSNP rs748299535, ClinGen allele CA6856530.

ClinVar aggregate classification (germline): Uncertain significance (1 of 4 stars; one submission).

Conditions:
Combined oxidative phosphorylation defect type 7. Identifiers: Orphanet 254930, MedGen C3150801, MONDO:0013306, OMIM 613559.
Spastic paraplegia. Identifiers: MedGen C0037772, HP:0001258.

Allele frequency attached by ClinVar (database versions not stated): gnomAD 0.00001; gnomAD exomes 0.00001; TOPMed 0.00001; ExAC 0.00002.
gnomAD v4.1: 4 of 1,614,052 alleles (0.00025%); highest among the groups gnomAD compares: Non-Finnish European, 0.00034%; no homozygotes.

Submission:

Labcorp Genetics (formerly Invitae), Labcorp
Classification: Uncertain significance for Combined oxidative phosphorylation defect type 7; Spastic paraplegia. Last evaluated: 2022-06-28. Review status: criteria provided, single submitter. Criteria: Invitae Variant Classification Sherloc (09022015). Collection method: clinical testing. Allele origin: germline.
Comment: This sequence change replaces aspartic acid, which is acidic and polar, with histidine, which is basic and polar, at codon 56 of the C12orf65 protein (p.Asp56His). This variant is present in population databases (rs748299535, gnomAD 0.002%). This variant has not been reported in the literature in individuals affected with C12orf65-related conditions. Algorithms developed to predict the effect of missense changes on protein structure and function output the following: SIFT: "Tolerated"; PolyPhen-2: "Benign"; Align-GVGD: "Class C0". The histidine amino acid residue is found in multiple mammalian species, which suggests that this missense change does not adversely affect protein function. In summary, the available evidence is currently insufficient to determine the role of this variant in disease. Therefore, it has been classified as a Variant of Uncertain Significance.